The following is an entry in ClinVar:

NM_001080442.3(SLC38A8):c.534C>G (p.Ile178Met)

Gene: SLC38A8 (solute carrier family 38 member 8; minus strand). Cytogenetic location: 16q23.3.
Variant type: single nucleotide variant.
Coding change: c.534C>G on transcript NM_001080442.3 (MANE Select); coding-DNA position 534, C replaced by G.
Protein change: p.Ile178Met; replaces isoleucine 178 with methionine.
Molecular consequence: missense variant.
Genome position (GRCh38, 1-based): chr16:84,031,965, G>C on the plus strand (C>G on the coding strand, the complement: SLC38A8 is on the minus strand). VCF-style: chr16-84031965-G-C. GRCh37 (hg19) VCF-style: chr16-84065570-G-C.
Other names: short protein forms I178M.
Identifiers: ClinVar variation 3911980 (VCV003911980.2).

ClinVar aggregate classification (germline): Uncertain significance (1 of 4 stars; one submission).

Submission:

Women's Health and Genetics/Laboratory Corporation of America, LabCorp
Classification: Uncertain significance. Last evaluated: 2025-07-02. Review status: criteria provided, single submitter. Criteria: LabCorp Variant Classification Summary - May 2015. Collection method: clinical testing. Allele origin: germline.
Comment: Variant summary: SLC38A8 c.534C>G (p.Ile178Met) results in a conservative amino acid change in the encoded protein sequence. Algorithms developed to predict the effect of missense changes on protein structure and function all suggest that this variant is likely to be tolerated. The variant allele was found at a frequency of 1.6e-05 in 250998 control chromosomes. The available data on variant occurrences in the general population are insufficient to allow any conclusion about variant significance. c.534C>G has been observed in the compound heterozygous state in at least 1 individual(s) affected with Foveal Hypoplasia, Optic Nerve Decussation Defect, Anterior Segment Dysgenesis Syndrome (Campbell_2019). These data do not allow any conclusion about variant significance. To our knowledge, no experimental evidence demonstrating an impact on protein function has been reported. The following publications have been ascertained in the context of this evaluation (PMID: 31719542, 35729001, 35029636, 33498813, 32744312). No submitters have cited clinical-significance assessments for this variant to ClinVar. Based on the evidence outlined above, the variant was classified as uncertain significance.

Literature cited by the submitters: PubMed 31719542; PubMed 32744312; PubMed 35029636; PubMed 33498813; PubMed 35729001.